The following is an entry in ClinVar:

NM_001374828.1(ARID1B):c.1322_1330del (p.Tyr441_Gly443del)

Gene: ARID1B (AT-rich interaction domain 1B; plus strand). Cytogenetic location: 6q25.3.
Variant type: Deletion.
Coding change: c.1322_1330del on transcript NM_001374828.1 (MANE Select); coding-DNA positions 1322 to 1330, 9 bases deleted (ATGGGGGCT; older notation c.1322_1330delATGGGGGCT).
Protein change: p.Tyr441_Gly443del.
Genome position (GRCh38, 1-based): chr6:156,779,002-156,779,010, ATGGGGGCT deleted; deleting any 9 consecutive bases within chr6:156,778,998-156,779,010 gives the same sequence; the c. name uses the placement nearest the transcript's 3' end. VCF-style (leftmost placement, unchanged base first): chr6-156778997-CGGCTATGGG-C. GRCh37 (hg19) VCF-style: chr6-157100131-CGGCTATGGG-C.
Other names: c.1322_1330del, p.Tyr441_Gly443del (NM_001371656.1, NM_001374820.1, NM_017519.3).
Identifiers: ClinVar variation 3719311 (VCV003719311.2).

ClinVar aggregate classification (germline): Uncertain significance (1 of 4 stars; one submission).

Submission:

Labcorp Genetics (formerly Invitae), Labcorp
Classification: Uncertain significance. Last evaluated: 2024-10-31. Review status: criteria provided, single submitter. Criteria: Invitae Variant Classification Sherloc (09022015). Collection method: clinical testing. Allele origin: germline.
Comment: This variant, c.1073_1081del, results in the deletion of 3 amino acid(s) of the ARID1B protein (p.Tyr358_Gly360del), but otherwise preserves the integrity of the reading frame. The frequency data for this variant in the population databases is considered unreliable, as metrics indicate insufficient coverage at this position in the gnomAD database. This variant has not been reported in the literature in individuals affected with ARID1B-related conditions. Experimental studies and prediction algorithms are not available or were not evaluated, and the functional significance of this variant is currently unknown. In summary, the available evidence is currently insufficient to determine the role of this variant in disease. Therefore, it has been classified as a Variant of Uncertain Significance.